The following is an entry in ClinVar:

ClinVar aggregate classification (germline): Uncertain significance. Review status: criteria provided, multiple submitters, no conflicts (2 of 4 stars). 2 submissions from 2 submitters: Uncertain significance (2). Last evaluated 2025-12-22.

Allele frequency attached by ClinVar (database versions not stated): gnomAD exomes 0.00002 and 0.00004; gnomAD 0.00003; ExAC 0.00004; TOPMed 0.00005.

Submissions (2):

Labcorp Genetics (formerly Invitae), Labcorp
Classification: Uncertain significance. Last evaluated: 2025-12-22. Review status: criteria provided, single submitter. Criteria: Invitae Variant Classification Sherloc (09022015). Collection method: clinical testing. Allele origin: germline.
Comment: This sequence change replaces serine, which is neutral and polar, with leucine, which is neutral and non-polar, at codon 1878 of the SBF1 protein (p.Ser1878Leu). This variant is present in population databases (rs769363049, gnomAD 0.01%). This variant has not been reported in the literature in individuals affected with SBF1-related conditions. ClinVar contains an entry for this variant (Variation ID: 1401406). Invitae Evidence Modeling of protein sequence and biophysical properties (such as structural, functional, and spatial information, amino acid conservation, physicochemical variation, residue mobility, and thermodynamic stability) indicates that this missense variant is not expected to disrupt SBF1 protein function with a negative predictive value of 80%. In summary, the available evidence is currently insufficient to determine the role of this variant in disease. Therefore, it has been classified as a Variant of Uncertain Significance.

Ambry Genetics
Classification: Uncertain significance. Last evaluated: 2025-08-20. Review status: criteria provided, single submitter. Criteria: Ambry Variant Classification Scheme 2023. Collection method: clinical testing. Allele origin: germline.

NM_002972.4(SBF1):c.5633C>T (p.Ser1878Leu)

Gene: SBF1 (SET binding factor 1; minus strand). Cytogenetic location: 22q13.33.
Variant type: single nucleotide variant.
Coding change: c.5633C>T on transcript NM_002972.4 (MANE Select); coding-DNA position 5633, C replaced by T.
Protein change: p.Ser1878Leu; replaces serine 1878 with leucine.
Molecular consequence: missense variant.
Genome position (GRCh38, 1-based): chr22:50,447,191, G>A on the plus strand (C>T on the coding strand, the complement: SBF1 is on the minus strand). VCF-style: chr22-50447191-G-A. GRCh37 (hg19) VCF-style: chr22-50885620-G-A.
Other names: c.5558C>T, p.Ser1853Leu (NM_001365819.1); c.5633C>T (NM_002972.2); short protein forms S1853L, S1878L.
Identifiers: ClinVar variation 1401406 (VCV001401406.6), dbSNP rs769363049, ClinGen allele CA10315737.